The following is an entry in ClinVar:

ClinVar aggregate classification (germline): Likely pathogenic (1 of 4 stars; one submission).

Conditions:
Intellectual developmental disorder, X-linked 101. Also called: Intellectual disability, X-linked 101. Identifiers: Orphanet 777, MedGen C3890168, MONDO:0010489, OMIM 300928.

Allele frequency attached by ClinVar (database versions not stated): ExAC 0.00001; TOPMed 0.00002; gnomAD 0.00002.
gnomAD v4.1: 20 of 1,206,695 alleles (0.0017%); highest among the groups gnomAD compares: Admixed American, 0.0044%; no homozygotes.

Submission:

Institute of Human Genetics, Clinical Exome/Genome Diagnostics Group, University Hospital Bonn
Classification: Likely pathogenic for Intellectual developmental disorder, X-linked 101. Last evaluated: 2021-12-15. Review status: criteria provided, single submitter. Criteria: ACMG Guidelines, 2015. Collection method: clinical testing. Allele origin: germline. Affected: yes.
Comment: PVS1_strong, PM2

NM_012216.4(MID2):c.1432C>T (p.Arg478Ter)

Genes: MID2 (midline 2; plus strand), LOC101928335 (uncharacterized LOC101928335; minus strand). Cytogenetic location: Xq22.3.
Variant type: single nucleotide variant.
Coding change: c.1432C>T on transcript NM_012216.4 (MANE Select); coding-DNA position 1432, C replaced by T.
Protein change: p.Arg478Ter; replaces arginine 478 with a stop codon.
Molecular consequence: nonsense. On other transcripts: intron variant (2).
Genome position (GRCh38, 1-based): chrX:107,917,736, C>T. VCF-style: chrX-107917736-C-T. GRCh37 (hg19) VCF-style: chrX-107160966-C-T.
Other names: c.1372C>T, p.Arg458Ter (NM_001382751.1); c.1285+87C>T (NM_001382752.1); c.1345+87C>T (NM_052817.3); short protein forms R458*, R478*.
Identifiers: ClinVar variation 1343245 (VCV001343245.1), dbSNP rs200917006, ClinGen allele CA10486157.